The following is an entry in ClinVar:

ClinVar aggregate classification (germline): Uncertain significance (1 of 4 stars; one submission).

Allele frequency attached by ClinVar (database versions not stated): ExAC 0.00002; ESP Exome Variant Server 0.00008.
gnomAD v4.1: 46 of 1,613,968 alleles (0.0029%); highest among the groups gnomAD compares: Middle Eastern, 0.033%; no homozygotes.

Submission:

Labcorp Genetics (formerly Invitae), Labcorp
Classification: Uncertain significance. Last evaluated: 2022-07-05. Review status: criteria provided, single submitter. Criteria: Invitae Variant Classification Sherloc (09022015). Collection method: clinical testing. Allele origin: germline.
Comment: This sequence change replaces aspartic acid, which is acidic and polar, with asparagine, which is neutral and polar, at codon 3017 of the CDH23 protein (p.Asp3017Asn). This variant is present in population databases (rs376545866, gnomAD 0.006%). This variant has not been reported in the literature in individuals affected with CDH23-related conditions. Algorithms developed to predict the effect of missense changes on protein structure and function are either unavailable or do not agree on the potential impact of this missense change (SIFT: "Deleterious"; PolyPhen-2: "Not Available"; Align-GVGD: "Class C0"). In summary, the available evidence is currently insufficient to determine the role of this variant in disease. Therefore, it has been classified as a Variant of Uncertain Significance.

NM_022124.6(CDH23):c.9049G>A (p.Asp3017Asn)

Gene: CDH23 (cadherin related 23; plus strand). Cytogenetic location: 10q22.1.
Variant type: single nucleotide variant.
Coding change: c.9049G>A on transcript NM_022124.6 (MANE Select); coding-DNA position 9049, G replaced by A.
Protein change: p.Asp3017Asn; replaces aspartic acid 3017 with asparagine.
Molecular consequence: missense variant.
Genome position (GRCh38, 1-based): chr10:71,810,541, G>A. VCF-style: chr10-71810541-G-A. GRCh37 (hg19) VCF-style: chr10-73570298-G-A.
Other names: c.2329G>A, p.Asp777Asn (NM_001171933.1, NM_001171934.1); short protein forms D3017N, D777N.
Identifiers: ClinVar variation 2152697 (VCV002152697.1), dbSNP rs376545866, ClinGen allele CA5546845.
Genomic context (GRCh38, chr10:71,810,541, plus strand): 5'-GACAAGAAGGGCCGGGTGAACTTTGCGCAGACAGAACTGCTTATCCACGTGGTGAACCGC[G>A]ATACCAACCGCATCCTGGACGTGGACCGGTGAGTCGGGGCCTGTGTTTGGACTGTCAGCC-3'
Protein context (NP_071407.4, residues 3007-3027): TELLIHVVNR[Asp3017Asn]TNRILDVDRV